The following is an entry in ClinVar:

NM_000094.4(COL7A1):c.4193T>C (p.Met1398Thr)

Gene: COL7A1 (collagen type VII alpha 1 chain; minus strand). Cytogenetic location: 3p21.31.
Variant type: single nucleotide variant.
Coding change: c.4193T>C on transcript NM_000094.4 (MANE Select); coding-DNA position 4193, T replaced by C.
Protein change: p.Met1398Thr; replaces methionine 1398 with threonine.
Molecular consequence: missense variant.
Genome position (GRCh38, 1-based): chr3:48,584,302, A>G on the plus strand (T>C on the coding strand, the complement: COL7A1 is on the minus strand). VCF-style: chr3-48584302-A-G. GRCh37 (hg19) VCF-style: chr3-48621735-A-G.
Other names: short protein forms M1398T.
Identifiers: ClinVar variation 1951003 (VCV001951003.2), dbSNP rs762739215, ClinGen allele CA352694941.

ClinVar aggregate classification (germline): Uncertain significance (1 of 4 stars; one submission).

Submission:

Labcorp Genetics (formerly Invitae), Labcorp
Classification: Uncertain significance. Last evaluated: 2021-05-20. Review status: criteria provided, single submitter. Criteria: Invitae Variant Classification Sherloc (09022015). Collection method: clinical testing. Allele origin: germline.
Comment: This sequence change replaces methionine with threonine at codon 1398 of the COL7A1 protein (p.Met1398Thr). The methionine residue is weakly conserved and there is a moderate physicochemical difference between methionine and threonine. This variant is not present in population databases (ExAC no frequency). This variant has not been reported in the literature in individuals with COL7A1-related conditions. Advanced modeling of protein sequence and biophysical properties (such as structural, functional, and spatial information, amino acid conservation, physicochemical variation, residue mobility, and thermodynamic stability) performed at Invitae indicates that this missense variant is not expected to disrupt COL7A1 protein function. In summary, the available evidence is currently insufficient to determine the role of this variant in disease. Therefore, it has been classified as a Variant of Uncertain Significance.